The following is an entry in ClinVar:

ClinVar aggregate classification (germline): Pathogenic. Review status: criteria provided, multiple submitters, no conflicts (2 of 4 stars). 2 submissions from 2 submitters: Pathogenic (2). Last evaluated 2025-04-16.

Conditions:
Inborn genetic diseases. Identifiers: MedGen C0950123, MeSH D030342.

gnomAD v4.1: 1 of 1,614,172 alleles (0.000062%); highest among the groups gnomAD compares: South Asian, 0.0011%; no homozygotes.

Submissions (2):

Ambry Genetics
Classification: Pathogenic for Inborn genetic diseases. Last evaluated: 2025-04-16. Review status: criteria provided, single submitter. Criteria: Ambry Variant Classification Scheme 2023. Collection method: clinical testing. Allele origin: germline.
Comment: The p.W490* pathogenic mutation (also known as c.1470G>A), located in coding exon 6 of the MBD4 gene, results from a G to A substitution at nucleotide position 1470. This changes the amino acid from a tryptophan to a stop codon within coding exon 6. This variant is considered to be rare based on population cohorts in the Genome Aggregation Database (gnomAD). This alteration is expected to result in loss of function by premature protein truncation or nonsense-mediated mRNA decay. As such, this alteration is interpreted as a disease-causing mutation.

Labcorp Genetics (formerly Invitae), Labcorp
Classification: Pathogenic. Last evaluated: 2024-02-02. Review status: criteria provided, single submitter. Criteria: Invitae Variant Classification Sherloc (09022015). Collection method: clinical testing. Allele origin: germline.
Comment: This sequence change creates a premature translational stop signal (p.Trp496*) in the MBD4 gene. It is expected to result in an absent or disrupted protein product. Loss-of-function variants in MBD4 are known to be pathogenic (PMID: 30049810, 35460607). This variant is not present in population databases (gnomAD no frequency). This variant has not been reported in the literature in individuals affected with MBD4-related conditions. For these reasons, this variant has been classified as Pathogenic.

Literature cited by the submitters: PubMed 30049810 (cited by Labcorp Genetics (formerly Invitae), Labcorp); PubMed 35460607 (cited by Labcorp Genetics (formerly Invitae), Labcorp).

NM_001276270.2(MBD4):c.1470G>A (p.Trp490Ter)

Gene: MBD4 (methyl-CpG binding domain 4, DNA glycosylase; minus strand). Cytogenetic location: 3q21.3.
Variant type: single nucleotide variant.
Coding change: c.1470G>A on transcript NM_001276270.2 (MANE Select); coding-DNA position 1470, G replaced by A.
Protein change: p.Trp490Ter; replaces tryptophan 490 with a stop codon.
Molecular consequence: nonsense.
Genome position (GRCh38, 1-based): chr3:129,433,171, C>T on the plus strand (G>A on the coding strand, the complement: MBD4 is on the minus strand). VCF-style: chr3-129433171-C-T. GRCh37 (hg19) VCF-style: chr3-129152014-C-T.
Other names: c.1488G>A, p.Trp496Ter (NM_003925.3, NM_001276271.2, NM_001276272.2); c.534G>A, p.Trp178Ter (NM_001276273.2); short protein forms W490*, W496*, W178*.
Identifiers: ClinVar variation 3692947 (VCV003692947.3).